The following is an entry in ClinVar:

NM_014915.3(ANKRD26):c.4007T>G (p.Met1336Arg)

Gene: ANKRD26 (ankyrin repeat domain containing 26; minus strand). Cytogenetic location: 10p12.1.
Variant type: single nucleotide variant.
Coding change: c.4007T>G on transcript NM_014915.3 (MANE Select); coding-DNA position 4007, T replaced by G.
Protein change: p.Met1336Arg; replaces methionine 1336 with arginine.
Molecular consequence: missense variant.
Genome position (GRCh38, 1-based): chr10:27,024,525, A>C on the plus strand (T>G on the coding strand, the complement: ANKRD26 is on the minus strand). VCF-style: chr10-27024525-A-C. GRCh37 (hg19) VCF-style: chr10-27313454-A-C.
Other names: c.4004T>G, p.Met1335Arg (NM_001256053.2); short protein forms M1335R, M1336R.
Identifiers: ClinVar variation 3913340 (VCV003913340.1).
Genomic context (GRCh38, chr10:27,024,525, plus strand): 5'-AATTCAACATTTTTCTTCATTTCTTGATCCAAATTACATTCCAGTGACTGTTTTAATTCC[A>C]TAAGTTTCTTTAATTGTTCCTTTTCATCTTCAGACTTTGAAACAAAATATTTTCAATTAC-3'
Protein context (NP_055730.2, residues 1326-1346): EDEKEQLKKL[Met1336Arg]ELKQSLECNL

ClinVar aggregate classification (germline): Uncertain significance (1 of 4 stars; one submission).

Conditions:
Inborn genetic diseases. Identifiers: MedGen C0950123, MeSH D030342.

Submission:

Ambry Genetics
Classification: Uncertain significance for Inborn genetic diseases. Last evaluated: 2025-03-28. Review status: criteria provided, single submitter. Criteria: Ambry Variant Classification Scheme 2023. Collection method: clinical testing. Allele origin: germline.
Comment: The p.M1336R variant (also known as c.4007T>G), located in coding exon 28 of the ANKRD26 gene, results from a T to G substitution at nucleotide position 4007. The methionine at codon 1336 is replaced by arginine, an amino acid with similar properties. This amino acid position is conserved. In addition, this alteration is predicted to be tolerated by in silico analysis. Based on the available evidence, the clinical significance of this variant remains unclear.